The following is an entry in ClinVar:

NM_007294.4(BRCA1):c.594-2A>G

Gene: BRCA1 (BRCA1 DNA repair associated; minus strand). Cytogenetic location: 17q21.31.
Variant type: single nucleotide variant.
Coding change: c.594-2A>G on transcript NM_007294.4 (MANE Select); the canonical splice acceptor site of the intron before coding-DNA position 594, A replaced by G.
Molecular consequence: splice acceptor variant. On other transcripts: intron variant (115).
Genome position (GRCh38, 1-based): chr17:43,095,924, T>C on the plus strand (A>G on the coding strand, the complement: BRCA1 is on the minus strand). VCF-style: chr17-43095924-T-C. GRCh37 (hg19) VCF-style: chr17-41247941-T-C.
Other names: c.453-2A>G (NM_001408458.1, NM_001408469.1, NM_001408453.1 and 43 more transcripts); c.-218-1064A>G (NM_001407967.1, NM_001407966.1); c.213-2A>G (NM_001407959.1, NM_001408510.1, NM_001407963.1 and 1 more transcripts); c.404-1064A>G (NM_001407931.1, NM_001407932.1, NM_001407930.1 and 5 more transcripts); c.450-2A>G (NM_001407747.1, NM_001408470.1, NM_001407848.1 and 26 more transcripts); c.210-2A>G (NM_001407962.1); c.167-1064A>G (NM_001408512.1, NM_001407965.1); c.384-2A>G (NM_001407885.1, NM_001407886.1, NM_001407881.1 and 27 more transcripts); and 17 more.
Identifiers: ClinVar variation 55644 (VCV000055644.14), dbSNP rs80358033, ClinGen allele CA003755.

ClinVar aggregate classification (germline): Conflicting classifications of pathogenicity. Review status: criteria provided, conflicting classifications (1 of 4 stars). 4 submissions from 4 submitters: Pathogenic (1); Uncertain significance (2). 1 of the submissions does not count toward it. Last evaluated 2025-07-17.

Conditions:
Familial cancer of breast. Also called: hereditary breast carcinoma; BREAST CANCER, FAMILIAL; Hereditary breast cancer. Identifiers: Orphanet 227535, MedGen C0346153, MONDO:0016419, OMIM 114480. Disease mechanism: loss of function.
Hereditary cancer-predisposing syndrome. Also called: Hereditary Cancer Syndrome; Hereditary neoplastic syndrome; Neoplastic Syndromes, Hereditary; Tumor predisposition. Identifiers: Orphanet 140162, MedGen C0027672, MeSH D009386, MONDO:0015356.
Breast-ovarian cancer, familial, susceptibility to, 1 (BROVCA1). Also called: BRCA1 Hereditary Breast and Ovarian Cancer; OVARIAN CANCER, SUSCEPTIBILITY TO. Identifiers: Orphanet 145, MedGen C2676676, MONDO:0011450, OMIM 604370. Disease mechanism: loss of function.
Hereditary breast ovarian cancer syndrome. Also called: BRCA1- and BRCA2-Associated Hereditary Breast and Ovarian Cancer; Hereditary breast and ovarian cancer syndrome; Hereditary breast and ovarian cancer syndrome (HBOC); Breast and ovarian cancer; Hereditary breast and/or ovarian cancer syndrome; Hereditary breast and ovarian cancer. Identifiers: Orphanet 145, MedGen C0677776, MeSH D061325, MONDO:0003582. Disease mechanism: loss of function.

gnomAD v4.1: 1 of 1,610,066 alleles (0.000062%); highest among the groups gnomAD compares: Non-Finnish European, 0.000085%; no homozygotes.

Submissions (4):

Labcorp Genetics (formerly Invitae), Labcorp
Classification: Uncertain significance for Hereditary breast ovarian cancer syndrome. Last evaluated: 2025-07-17. Review status: criteria provided, single submitter. Criteria: Invitae Variant Classification Sherloc (09022015). Collection method: clinical testing. Allele origin: germline.
Comment: This sequence change affects an acceptor splice site in intron 8 of the BRCA1 gene. Loss-of-function variants in BRCA1 are expected to be pathogenic (PMID: 20104584). However, an in-frame BRCA1 isoform lacking exons 8 and 9 (also known as exons 9 and 10) is highly expressed in blood from unaffected individuals and in normal breast tissue; this isoform may retain protein function and could functionally rescue loss-of-function variants within exons 8-9 (PMID: 24569164). This variant is present in population databases (rs80358033, gnomAD 0.0009%). Disruption of this splice site has been observed in individual(s) with breast and/or ovarian cancer (PMID: 16683254, 28993434, 36451132). ClinVar contains an entry for this variant (Variation ID: 55644). Studies have shown disruption of this splice site is associated with multiple isoforms, but one or more of the resulting mRNA isoform(s) may be naturally occurring (PMID: 24569164, 32398771). In summary, the available evidence is currently insufficient to determine the role of this variant in disease. Therefore, it has been classified as a Variant of Uncertain Significance.

Ambry Genetics
Classification: Uncertain significance for Hereditary cancer-predisposing syndrome. Last evaluated: 2023-12-20. Review status: criteria provided, single submitter. Criteria: Ambry Variant Classification Scheme 2023. Collection method: clinical testing. Allele origin: germline.
Comment: The c.594-2A>G intronic variant results from an A to G substitution two nucleotides upstream from coding exon 8 in the BRCA1 gene. This variant has been reported in one family from a Dutch hereditary breast and ovarian cancer cohort (van der Hout AH et al. Hum Mutat, 2006 Jul;27:654-66). This alteration has also been detected in 1/2575 unselected patients with breast cancer from a Malaysian cohort (Wen WX et al. J Med Genet, 2018 Feb;55:97-103). This nucleotide position is highly conserved in available vertebrate species. In silico splice site analysis predicts that this alteration will weaken the native splice acceptor site; however, direct evidence is insufficient at this time (Ambry internal data). Alterations that disrupt the canonical splice site are expected to cause aberrant splicing, resulting in an abnormal protein or a transcript that is subject to nonsense-mediated mRNA decay. However, this alteration occurs in one of the exons that is absent in a predominant, in-frame, naturally occurring isoform (&Delta;7_8, also known as &Delta;9,10 in the literature) and is likely to be spliced out in this normal isoform that produces a partially functional protein (Colombo M et al. Hum. Mol. Genet. 2014 Jul;23:3666-80; Whiley PJ et al. Clin.Chem. 2014 Feb;60:341-52). Since supporting evidence is limited at this time, the clinical significance of this alteration remains unclear.

Baylor Genetics
Classification: Pathogenic for Breast-ovarian cancer, familial, susceptibility to, 1. Last evaluated: 2021-11-12. Review status: criteria provided, single submitter. Criteria: ACMG Guidelines, 2015. Collection method: clinical testing. Allele origin: unknown.

ClinVar Staff, National Center for Biotechnology Information (NCBI)
No classification provided. Condition: Familial cancer of breast. Review status: no classification provided. Collection method: literature only. Allele origin: germline. Affected: yes. Not counted in ClinVar's aggregate classification.

Literature cited by the submitters: PubMed 20104584 (cited by Labcorp Genetics (formerly Invitae), Labcorp); PubMed 24569164 (cited by Labcorp Genetics (formerly Invitae), Labcorp and Ambry Genetics); PubMed 16683254 (cited by 3 submitters); PubMed 28993434 (cited by Labcorp Genetics (formerly Invitae), Labcorp and Ambry Genetics); PubMed 36451132 (cited by Labcorp Genetics (formerly Invitae), Labcorp); PubMed 32398771 (cited by Labcorp Genetics (formerly Invitae), Labcorp).